The following is an entry in ClinVar:

NM_000245.4(MET):c.3813G>A (p.Val1271=)

Gene: MET (MET proto-oncogene, receptor tyrosine kinase; plus strand). Cytogenetic location: 7q31.2.
Variant type: single nucleotide variant.
Coding change: c.3813G>A on transcript NM_000245.4 (MANE Select); coding-DNA position 3813, G replaced by A.
Protein change: p.Val1271=; no amino-acid change (valine 1271 retained).
Molecular consequence: synonymous variant.
Genome position (GRCh38, 1-based): chr7:116,795,669, G>A. VCF-style: chr7-116795669-G-A. GRCh37 (hg19) VCF-style: chr7-116435723-G-A.
Other names: c.3867G>A, p.Val1289= (NM_001127500.3); c.2523G>A, p.Val841= (NM_001324402.2).
Identifiers: ClinVar variation 3773322 (VCV003773322.1).

ClinVar aggregate classification (germline): Benign (1 of 4 stars; one submission).

Conditions:
Papillary renal cell carcinoma type 1 (RCCP1). Also called: Renal adenocarcinoma; Renal cell carcinoma 1; Renal cell carcinoma, somatic; RENAL CELL CARCINOMA, PAPILLARY, 1, SOMATIC. Identifiers: Orphanet 47044, MedGen C1336839, OMIM 605074, HP:0011797.

Submission:

Myriad Genetics, Inc.
Classification: Benign for Papillary renal cell carcinoma type 1. Last evaluated: 2024-11-14. Review status: criteria provided, single submitter. Criteria: Myriad Autosomal Dominant, Autosomal Recessive and X-Linked Classification Criteria (2023). Collection method: clinical testing. Allele origin: unknown.
Comment: This variant is considered benign. This variant is a silent/synonymous amino acid change and it is not expected to impact splicing.